The following is an entry in ClinVar:

ClinVar aggregate classification (germline): Uncertain significance (1 of 4 stars; one submission).

gnomAD v4.1: 1 of 1,546,002 alleles (0.000065%); no homozygotes.

Submission:

Ambry Genetics
Classification: Uncertain significance. Last evaluated: 2025-01-06. Review status: criteria provided, single submitter. Criteria: Ambry Variant Classification Scheme 2023. Collection method: clinical testing. Allele origin: germline.
Comment: The p.I1140T variant (also known as c.3419T>C), located in coding exon 2 of the TET2 gene, results from a T to C substitution at nucleotide position 3419. The isoleucine at codon 1140 is replaced by threonine, an amino acid with similar properties. This amino acid position is conserved. In addition, this alteration is predicted to be tolerated by in silico analysis. Based on the available evidence, the clinical significance of this variant remains unclear.

NM_001127208.3(TET2):c.3419T>C (p.Ile1140Thr)

Genes: TET2 (tet methylcytosine dioxygenase 2; plus strand), TET2-AS1 (TET2 antisense RNA 1; minus strand). Cytogenetic location: 4q24.
Variant type: single nucleotide variant.
Coding change: c.3419T>C on transcript NM_001127208.3 (MANE Select); coding-DNA position 3419, T replaced by C.
Protein change: p.Ile1140Thr; replaces isoleucine 1140 with threonine.
Molecular consequence: missense variant. On other transcripts: 3 prime UTR variant (1).
Genome position (GRCh38, 1-based): chr4:105,241,348, T>C. VCF-style: chr4-105241348-T-C. GRCh37 (hg19) VCF-style: chr4-106162505-T-C.
Other names: c.*3908T>C (NM_017628.4); short protein forms I1140T.
Identifiers: ClinVar variation 3805938 (VCV003805938.1).